The following is an entry in ClinVar:

NM_006231.4(POLE):c.66T>G (p.Asp22Glu)

Gene: POLE (DNA polymerase epsilon, catalytic subunit; minus strand). Cytogenetic location: 12q24.33.
Variant type: single nucleotide variant.
Coding change: c.66T>G on transcript NM_006231.4 (MANE Select); coding-DNA position 66, T replaced by G.
Protein change: p.Asp22Glu; replaces aspartic acid 22 with glutamic acid.
Molecular consequence: missense variant.
Genome position (GRCh38, 1-based): chr12:132,681,276, A>C on the plus strand (T>G on the coding strand, the complement: POLE is on the minus strand). VCF-style: chr12-132681276-A-C. GRCh37 (hg19) VCF-style: chr12-133257862-A-C.
Other names: short protein forms D22E.
Identifiers: ClinVar variation 3705117 (VCV003705117.2).
Genomic context (GRCh38, chr12:132,681,276, plus strand): 5'-ATCCGTCCACTGACTCCGTTCCAGGCGCTTGAGTGCCGAAACTGAGGAAGTGGCGCCATC[A>C]TCCCTGAGTGAAAGAAGGGAACCCCGTGCTTAATTTGTAATGCCACCTGCTGCTGCTTCT-3'
Protein context (NP_006222.2, residues 12-32): DPGADGEASR[Asp22Glu]DGATSSVSAL

ClinVar aggregate classification (germline): Uncertain significance (1 of 4 stars; one submission).

Submission:

Labcorp Genetics (formerly Invitae), Labcorp
Classification: Uncertain significance. Last evaluated: 2024-10-15. Review status: criteria provided, single submitter. Criteria: Invitae Variant Classification Sherloc (09022015). Collection method: clinical testing. Allele origin: germline.
Comment: This sequence change replaces aspartic acid, which is acidic and polar, with glutamic acid, which is acidic and polar, at codon 22 of the POLE protein (p.Asp22Glu). This variant is not present in population databases (gnomAD no frequency). This variant has not been reported in the literature in individuals affected with POLE-related conditions. An algorithm developed to predict the effect of missense changes on protein structure and function outputs the following: PolyPhen-2: "Benign". The glutamic acid amino acid residue is found in multiple mammalian species, which suggests that this missense change does not adversely affect protein function. In summary, the available evidence is currently insufficient to determine the role of this variant in disease. Therefore, it has been classified as a Variant of Uncertain Significance.